The following is an entry in ClinVar:

NM_006946.4(SPTBN2):c.4756G>C (p.Asp1586His)

Gene: SPTBN2 (spectrin beta, non-erythrocytic 2; minus strand). Cytogenetic location: 11q13.2.
Variant type: single nucleotide variant.
Coding change: c.4756G>C on transcript NM_006946.4 (MANE Select); coding-DNA position 4756, G replaced by C.
Protein change: p.Asp1586His; replaces aspartic acid 1586 with histidine.
Molecular consequence: missense variant.
Genome position (GRCh38, 1-based): chr11:66,693,284, C>G on the plus strand (G>C on the coding strand, the complement: SPTBN2 is on the minus strand). VCF-style: chr11-66693284-C-G. GRCh37 (hg19) VCF-style: chr11-66460755-C-G.
Other names: short protein forms D1586H.
Identifiers: ClinVar variation 1492375 (VCV001492375.8), dbSNP rs2135359300, ClinGen allele CA381469195.
Genomic context (GRCh38, chr11:66,693,284, plus strand): 5'-CGCCCATCCAGGCCTCCGCCTCGGCGGCATCGCGGTAGAACTGCTGGGCTCGCAGGGCAT[C>G]CTCCAGTCGCTTCCCTCGAAGTTCCAGCTCGTGGCCCAGGCGTTTCCACATTTCCTGCAG-3'
Protein context (NP_008877.2, residues 1576-1596): ELELRGKRLE[Asp1586His]ALRAQQFYRD

ClinVar aggregate classification (germline): Uncertain significance (1 of 4 stars; one submission).

Submission:

Labcorp Genetics (formerly Invitae), Labcorp
Classification: Uncertain significance. Last evaluated: 2021-05-18. Review status: criteria provided, single submitter. Criteria: Invitae Variant Classification Sherloc (09022015). Collection method: clinical testing. Allele origin: germline.
Comment: This sequence change replaces aspartic acid with histidine at codon 1586 of the SPTBN2 protein (p.Asp1586His). The aspartic acid residue is weakly conserved and there is a moderate physicochemical difference between aspartic acid and histidine. In summary, the available evidence is currently insufficient to determine the role of this variant in disease. Therefore, it has been classified as a Variant of Uncertain Significance. Advanced modeling of protein sequence and biophysical properties (such as structural, functional, and spatial information, amino acid conservation, physicochemical variation, residue mobility, and thermodynamic stability) performed at Invitae indicates that this missense variant is not expected to disrupt SPTBN2 protein function. This variant has not been reported in the literature in individuals with SPTBN2-related conditions. This variant is not present in population databases (ExAC no frequency).